The following is an entry in ClinVar:

NM_004523.4(KIF11):c.979C>T (p.Arg327Cys)

Gene: KIF11 (kinesin family member 11; plus strand). Cytogenetic location: 10q23.33.
Variant type: single nucleotide variant.
Coding change: c.979C>T on transcript NM_004523.4 (MANE Select); coding-DNA position 979, C replaced by T.
Protein change: p.Arg327Cys; replaces arginine 327 with cysteine.
Molecular consequence: missense variant.
Genome position (GRCh38, 1-based): chr10:92,613,566, C>T. VCF-style: chr10-92613566-C-T. GRCh37 (hg19) VCF-style: chr10-94373323-C-T.
Other names: short protein forms R327C.
Identifiers: ClinVar variation 939849 (VCV000939849.13), dbSNP rs191708835, ClinGen allele CA211497792.
Genomic context (GRCh38, chr10:92,613,566, plus strand): 5'-CCTCATGTTCCTTATCGAGAATCTAAACTAACTAGAATCCTCCAGGATTCTCTTGGAGGG[C>T]GTACAAGAACATCTATAATTGCAACAATTTCTCCTGCATCTCTCAATCTTGAGGTAAGCC-3'
Protein context (NP_004514.2, residues 317-337): TRILQDSLGG[Arg327Cys]TRTSIIATIS

ClinVar aggregate classification (germline): Uncertain significance. Review status: criteria provided, multiple submitters, no conflicts (2 of 4 stars). 3 submissions from 3 submitters: Uncertain significance (3). Last evaluated 2026-01-17.

Conditions:
Inborn genetic diseases. Identifiers: MedGen C0950123, MeSH D030342.
Microcephaly with or without chorioretinopathy, lymphedema, or impaired intellectual development. Also called: MICROCEPHALY AND CHORIORETINOPATHY WITH OR WITHOUT MENTAL RETARDATION, AUTOSOMAL DOMINANT; MICROCEPHALY, LYMPHEDEMA, CHORIORETINAL DYSPLASIA SYNDROME; Microcephaly lymphedema chorioretinal dysplasia; Microcephaly with or without chorioretinopathy, lymphedema, or mental retardation; Microcephaly with or without chorioretinopathy, lymphedema, or intellectual disability. Identifiers: Orphanet 2526, MedGen C1835265, MONDO:0007918, OMIM 152950.

Allele frequency attached by ClinVar (database versions not stated): gnomAD exomes 0.00001; TOPMed 0.00002.
gnomAD v4.1: 13 of 1,611,952 alleles (0.00081%); highest among the groups gnomAD compares: Admixed American, 0.0033%; no homozygotes.

Submissions (3):

Labcorp Genetics (formerly Invitae), Labcorp
Classification: Uncertain significance. Last evaluated: 2026-01-17. Review status: criteria provided, single submitter. Criteria: Invitae Variant Classification Sherloc (09022015). Collection method: clinical testing. Allele origin: germline.
Comment: This sequence change replaces arginine, which is basic and polar, with cysteine, which is neutral and slightly polar, at codon 327 of the KIF11 protein (p.Arg327Cys). This variant is present in population databases (rs191708835, gnomAD 0.006%). This variant has not been reported in the literature in individuals affected with KIF11-related conditions. ClinVar contains an entry for this variant (Variation ID: 939849). Invitae Evidence Modeling of protein sequence and biophysical properties (such as structural, functional, and spatial information, amino acid conservation, physicochemical variation, residue mobility, and thermodynamic stability) has been performed for this missense variant. However, the output from this modeling did not meet the statistical confidence thresholds required to predict the impact of this variant on KIF11 protein function. In summary, the available evidence is currently insufficient to determine the role of this variant in disease. Therefore, it has been classified as a Variant of Uncertain Significance.

Ambry Genetics
Classification: Uncertain significance for Inborn genetic diseases. Last evaluated: 2025-11-20. Review status: criteria provided, single submitter. Criteria: Ambry Variant Classification Scheme 2023. Collection method: clinical testing. Allele origin: germline.
Comment: The c.979C>T (p.R327C) alteration is located in exon 8 (coding exon 8) of the KIF11 gene. This alteration results from a C to T substitution at nucleotide position 979, causing the arginine (R) at amino acid position 327 to be replaced by a cysteine (C). Based on data from gnomAD, the T allele has an overall frequency of 0.001% (2/251190) total alleles studied. The highest observed frequency was 0.006% (2/34472) of Latino alleles. Based on insufficient or conflicting evidence, the clinical significance of this alteration remains unclear.

Clinical Genomics Laboratory, Washington University in St. Louis
Classification: Uncertain significance for Microcephaly with or without chorioretinopathy, lymphedema, or impaired intellectual development. Last evaluated: 2024-06-20. Review status: criteria provided, single submitter. Criteria: ACMG Guidelines, 2015. Collection method: clinical testing. Allele origin: germline.
Comment: A KIF11 c.979C>T (p.Arg327Cys) variant was identified at a near heterozygous allelic fraction, which may be consistent with germline origin. This variant, to our knowledge, has not been reported in the medical literature and is observed on 13/1,611,952 alleles in the general population (gnomAD v.4.1.0). The KIF11 c.979C>T (p.Arg327Cys) variant has been reported in the ClinVar database as a germline variant of uncertain significance by two submitters (ClinVar ID: 939849). Computational predictors indicate that the variant is damaging, evidence that may correlate with impact to KIF11 protein function. Due to limited information, and based on ACMG/AMP guidelines for variant interpretation (Richards S et al., PMID: 25741868), the clinical significance of this variant is uncertain at this time.